The following is an entry in ClinVar:

ClinVar aggregate classification (germline): Uncertain significance (1 of 4 stars; one submission).

gnomAD v4.1: 3 of 1,595,396 alleles (0.00019%); highest among the groups gnomAD compares: Non-Finnish European, 0.00025%; no homozygotes.

Submission:

Women's Health and Genetics/Laboratory Corporation of America, LabCorp
Classification: Uncertain significance. Last evaluated: 2025-05-06. Review status: criteria provided, single submitter. Criteria: LabCorp Variant Classification Summary - May 2015. Collection method: clinical testing. Allele origin: germline.
Comment: Variant summary: SOST c.439C>G (p.Leu147Val) results in a conservative amino acid change in the encoded protein sequence. Algorithms developed to predict the effect of missense changes on protein structure and function all suggest that this variant is likely to be tolerated. The variant allele was found at a frequency of 4.6e-06 in 217928 control chromosomes. The available data on variant occurrences in the general population are insufficient to allow any conclusion about variant significance. To our knowledge, no occurrence of c.439C>G in individuals affected with SOST-Related Disorders and no experimental evidence demonstrating its impact on protein function have been reported. No submitters have cited clinical-significance assessments for this variant to ClinVar. Based on the evidence outlined above, the variant was classified as uncertain significance.

NM_025237.3(SOST):c.439C>G (p.Leu147Val)

Gene: SOST (sclerostin; minus strand). Cytogenetic location: 17q21.31.
Variant type: single nucleotide variant.
Coding change: c.439C>G on transcript NM_025237.3 (MANE Select); coding-DNA position 439, C replaced by G.
Protein change: p.Leu147Val; replaces leucine 147 with valine.
Molecular consequence: missense variant.
Genome position (GRCh38, 1-based): chr17:43,755,545, G>C on the plus strand (C>G on the coding strand, the complement: SOST is on the minus strand). VCF-style: chr17-43755545-G-C. GRCh37 (hg19) VCF-style: chr17-41832913-G-C.
Other names: short protein forms L147V.
Identifiers: ClinVar variation 3902466 (VCV003902466.1).
Genomic context (GRCh38, chr17:43,755,545, plus strand): 5'-ACTTGCACGAGGCCACCAGGCGCACCTTGCGCGCGCGCGGCGCCTCACCACCGGGACACA[G>C]CAGCTGCACGCGCTGCGCGCGGTAGCGGTCGGGGATGCAGCGGAAGTCGGGCCCACTAGG-3'
Protein context (NP_079513.1, residues 137-157): DRYRAQRVQL[Leu147Val]CPGGEAPRAR